The following is an entry in ClinVar:

NM_001004334.4(GPR179):c.719G>A (p.Arg240Gln)

Gene: GPR179 (G protein-coupled receptor 179; minus strand). Cytogenetic location: 17q12.
Variant type: single nucleotide variant.
Coding change: c.719G>A on transcript NM_001004334.4 (MANE Select); coding-DNA position 719, G replaced by A.
Protein change: p.Arg240Gln; replaces arginine 240 with glutamine.
Molecular consequence: missense variant.
Genome position (GRCh38, 1-based): chr17:38,343,071, C>T on the plus strand (G>A on the coding strand, the complement: GPR179 is on the minus strand). VCF-style: chr17-38343071-C-T. GRCh37 (hg19) VCF-style: chr17-36498954-C-T.
Other names: short protein forms R240Q.
Identifiers: ClinVar variation 1371729 (VCV001371729.4), dbSNP rs750159528, ClinGen allele CA290111360.

ClinVar aggregate classification (germline): Conflicting classifications of pathogenicity. Review status: criteria provided, conflicting classifications (1 of 4 stars). 2 submissions from 2 submitters: Uncertain significance (1); Likely benign (1). Last evaluated 2022-10-17.

Allele frequency attached by ClinVar (database versions not stated): gnomAD 0.00003; gnomAD exomes 0.00003 and 0.00013; TOPMed 0.00006; ExAC 0.00015.
gnomAD v4.1: 45 of 1,614,000 alleles (0.0028%); highest among the groups gnomAD compares: East Asian, 0.067%; no homozygotes.

Submissions (2):

Blueprint Genetics
Classification: Likely benign. Last evaluated: 2022-10-17. Review status: criteria provided, single submitter. Criteria: ACMG Guidelines, 2015. Collection method: clinical testing. Allele origin: germline.

Labcorp Genetics (formerly Invitae), Labcorp
Classification: Uncertain significance. Last evaluated: 2022-08-22. Review status: criteria provided, single submitter. Criteria: Invitae Variant Classification Sherloc (09022015). Collection method: clinical testing. Allele origin: germline.
Comment: This sequence change replaces arginine, which is basic and polar, with glutamine, which is neutral and polar, at codon 240 of the GPR179 protein (p.Arg240Gln). This variant is present in population databases (rs750159528, gnomAD 0.2%). This variant has not been reported in the literature in individuals affected with GPR179-related conditions. ClinVar contains an entry for this variant (Variation ID: 1371729). Algorithms developed to predict the effect of missense changes on protein structure and function output the following: SIFT: "Tolerated"; PolyPhen-2: "Benign"; Align-GVGD: "Class C0". The glutamine amino acid residue is found in multiple mammalian species, which suggests that this missense change does not adversely affect protein function. In summary, the available evidence is currently insufficient to determine the role of this variant in disease. Therefore, it has been classified as a Variant of Uncertain Significance.